The following is an entry in ClinVar:

NM_001164508.2(NEB):c.20931del (p.Lys6977fs)

Gene: NEB (nebulin; minus strand). Cytogenetic location: 2q23.3.
Variant type: Deletion.
Coding change: c.20931del on transcript NM_001164508.2 (MANE Select); coding-DNA position 20931, one base deleted (A; older notation c.20931delA).
Protein change: p.Lys6977fs; shifts the reading frame from lysine 6977.
Molecular consequence: frameshift variant.
Genome position (GRCh38, 1-based): chr2:151,538,206, T deleted on the plus strand (A on the coding strand, the reverse complement: NEB is on the minus strand); the first of 3 consecutive T bases (chr2:151,538,206-151,538,208); deleting any one gives the same sequence. VCF-style (leftmost placement, unchanged base first): chr2-151538205-AT-A. GRCh37 (hg19) VCF-style: chr2-152394719-AT-A.
Other names: c.20931del, p.Lys6977fs (NM_001164507.2, NM_001271208.2); c.20929delA, p.Lys6977Asnfs (NM_001271208.1); c.15828del, p.Lys5276fs (NM_004543.5); short protein forms K5276fs, K6977fs.
Identifiers: ClinVar variation 4814749 (VCV004814749.1).

ClinVar aggregate classification (germline): Likely pathogenic (1 of 4 stars; one submission).

Conditions:
Nemaline myopathy 2 (NEM2). Also called: Nemaline myopathy 2, autosomal recessive. Identifiers: MedGen C1850569, MONDO:0009725, OMIM 256030.

Submission:

Natera, Inc.
Classification: Likely pathogenic for Nemaline myopathy type 2. Last evaluated: 2024-06-06. Review status: criteria provided, single submitter. Criteria: Natera Variant Classification Schema (03/2026). Collection method: clinical testing. Allele origin: germline.
Comment: The c.20931del variant in NEB is a frameshift variant predicted to shift the reading frame beginning at codon 6977 and leads to a stop codon 5 codons downstream. This variant is expected to result in nonsense mediated decay, truncation, or a dysfunctional protein product. This variant is rare in the general population with a frequency below the threshold expected for the associated phenotype(s). Given the available evidence, this variant is classified as Likely Pathogenic.